The following is an entry in ClinVar:

NM_000059.4(BRCA2):c.7276A>G (p.Ile2426Val)

Gene: BRCA2 (BRCA2 DNA repair associated; plus strand). Cytogenetic location: 13q13.1.
Variant type: single nucleotide variant.
Coding change: c.7276A>G on transcript NM_000059.4 (MANE Select); coding-DNA position 7276, A replaced by G.
Protein change: p.Ile2426Val; replaces isoleucine 2426 with valine.
Molecular consequence: missense variant.
Genome position (GRCh38, 1-based): chr13:32,355,129, A>G. VCF-style: chr13-32355129-A-G. GRCh37 (hg19) VCF-style: chr13-32929266-A-G.
Other names: short protein forms I2426V.
Identifiers: ClinVar variation 441468 (VCV000441468.5), dbSNP rs1555286063, ClinGen allele CA387740642.

ClinVar aggregate classification (germline): Uncertain significance (1 of 4 stars; one submission).

Conditions:
Hereditary cancer-predisposing syndrome. Also called: Hereditary Cancer Syndrome; Hereditary neoplastic syndrome; Neoplastic Syndromes, Hereditary; Tumor predisposition. Identifiers: Orphanet 140162, MedGen C0027672, MeSH D009386, MONDO:0015356.

Submission:

Ambry Genetics
Classification: Uncertain significance for Hereditary cancer-predisposing syndrome. Last evaluated: 2020-03-23. Review status: criteria provided, single submitter. Criteria: Ambry Variant Classification Scheme 2023. Collection method: clinical testing. Allele origin: germline.
Comment: The p.I2426V variant (also known as c.7276A>G), located in coding exon 13 of the BRCA2 gene, results from an A to G substitution at nucleotide position 7276. The isoleucine at codon 2426 is replaced by valine, an amino acid with highly similar properties. This amino acid position is poorly conserved in available vertebrate species. In addition, this alteration is predicted to be tolerated by in silico analysis. Since supporting evidence is limited at this time, the clinical significance of this alteration remains unclear.